The following is an entry in ClinVar:

NC_000007.13:g.(?_151711709)_(151949820_?)dup

Genes: GALNT11 (polypeptide N-acetylgalactosaminyltransferase 11; plus strand), GALNTL5 (polypeptide N-acetylgalactosaminyltransferase like 5; plus strand), KMT2C (lysine methyltransferase 2C; minus strand). Cytogenetic location: 7q36.1.
Variant type: Duplication.
Identifiers: ClinVar variation 3245939 (VCV003245939.1).

ClinVar aggregate classification (germline): Uncertain significance (1 of 4 stars; one submission).

Submission:

Labcorp Genetics (formerly Invitae), Labcorp
Classification: Uncertain significance. Last evaluated: 2023-06-21. Review status: criteria provided, single submitter. Criteria: Invitae Variant Classification Sherloc (09022015). Collection method: clinical testing. Allele origin: unknown.
Comment: In summary, the available evidence is currently insufficient to determine the role of this variant in disease. Therefore, it has been classified as a Variant of Uncertain Significance. Experimental studies and prediction algorithms are not available or were not evaluated, and the functional significance of this variant is currently unknown. This variant has not been reported in the literature in individuals affected with KMT2C-related conditions. This variant results in a copy number gain of the genomic region encompassing exon(s) 10-59 of the KMT2C gene. This region includes the termination codon of the gene. This copy number gain extends beyond the assayed region for this gene and therefore may encompass additional genes. As the precise location of this event is unknown, it may be in tandem or it may be located elsewhere in the genome.